The following is an entry in ClinVar:

ClinVar aggregate classification (germline): Uncertain significance. Review status: criteria provided, multiple submitters, no conflicts (2 of 4 stars). 2 submissions from 2 submitters: Uncertain significance (2). Last evaluated 2024-01-23.

Allele frequency attached by ClinVar (database versions not stated): gnomAD 0.00001; TOPMed 0.00001.
gnomAD v4.1: 19 of 1,598,454 alleles (0.0012%); highest among the groups gnomAD compares: Admixed American, 0.0034%; no homozygotes.

Submissions (2):

Ambry Genetics
Classification: Uncertain significance. Last evaluated: 2024-01-23. Review status: criteria provided, single submitter. Criteria: Ambry Variant Classification Scheme 2023. Collection method: clinical testing. Allele origin: germline.

Labcorp Genetics (formerly Invitae), Labcorp
Classification: Uncertain significance. Last evaluated: 2023-07-12. Review status: criteria provided, single submitter. Criteria: Invitae Variant Classification Sherloc (09022015). Collection method: clinical testing. Allele origin: germline.
Comment: An algorithm developed to predict the effect of missense changes on protein structure and function (PolyPhen-2) suggests that this variant is likely to be tolerated. ClinVar contains an entry for this variant (Variation ID: 998973). This variant has not been reported in the literature in individuals affected with IMPG1-related conditions. This variant is present in population databases (no rsID available, gnomAD 0.003%). This sequence change replaces valine, which is neutral and non-polar, with alanine, which is neutral and non-polar, at codon 11 of the IMPG1 protein (p.Val11Ala). In summary, the available evidence is currently insufficient to determine the role of this variant in disease. Therefore, it has been classified as a Variant of Uncertain Significance.

NM_001563.4(IMPG1):c.32T>C (p.Val11Ala)

Gene: IMPG1 (interphotoreceptor matrix proteoglycan 1; minus strand). Cytogenetic location: 6q14.1.
Variant type: single nucleotide variant.
Coding change: c.32T>C on transcript NM_001563.4 (MANE Select); coding-DNA position 32, T replaced by C.
Protein change: p.Val11Ala; replaces valine 11 with alanine.
Molecular consequence: missense variant.
Genome position (GRCh38, 1-based): chr6:76,072,457, A>G on the plus strand (T>C on the coding strand, the complement: IMPG1 is on the minus strand). VCF-style: chr6-76072457-A-G. GRCh37 (hg19) VCF-style: chr6-76782174-A-G.
Other names: c.32T>C (NM_001563.2); c.32T>C, p.Val11Ala (NM_001282368.2); short protein forms V11A.
Identifiers: ClinVar variation 998973 (VCV000998973.9), dbSNP rs758016995, ClinGen allele CA141680322.